The following is an entry in ClinVar:

ClinVar aggregate classification (germline): Pathogenic (1 of 4 stars; one submission).

Conditions:
Microcephaly, normal intelligence and immunodeficiency (NBS). Also called: IMMUNODEFICIENCY, MICROCEPHALY, AND CHROMOSOMAL INSTABILITY; SEEMANOVA SYNDROME II; Nijmegen breakage syndrome; Microcephaly with normal intelligence immunodeficiency and lymphoreticular malignancies; Nonsyndromal microcephaly autosomal recessive with normal intelligence; Seemanova syndrome 2. Identifiers: Orphanet 647, MedGen C0398791, MONDO:0009623, OMIM 251260.

Submission:

Labcorp Genetics (formerly Invitae), Labcorp
Classification: Pathogenic for Microcephaly, normal intelligence and immunodeficiency. Last evaluated: 2021-12-08. Review status: criteria provided, single submitter. Criteria: Invitae Variant Classification Sherloc (09022015). Collection method: clinical testing. Allele origin: germline.
Comment: This sequence change creates a premature translational stop signal (p.Thr76Asnfs*4) in the NBN gene. It is expected to result in an absent or disrupted protein product. Loss-of-function variants in NBN are known to be pathogenic (PMID: 9590180, 16415040). This variant is not present in population databases (gnomAD no frequency). This variant has not been reported in the literature in individuals affected with NBN-related conditions. ClinVar contains an entry for this variant (Variation ID: 461551). For these reasons, this variant has been classified as Pathogenic.

Literature cited by the submitters: PubMed 9590180; PubMed 16415040.

NM_002485.5(NBN):c.226dup (p.Thr76fs)

Gene: NBN (nibrin; minus strand). Cytogenetic location: 8q21.3.
Variant type: Duplication.
Coding change: c.226dup on transcript NM_002485.5 (MANE Select); coding-DNA position 226, one base duplicated (A; older notation c.226dupA).
Protein change: p.Thr76fs; shifts the reading frame from threonine 76.
Molecular consequence: frameshift variant. On other transcripts: 5 prime UTR variant (1).
Genome position (GRCh38, 1-based): chr8:89,981,469, T duplicated on the plus strand (A on the coding strand, the reverse complement: NBN is on the minus strand). VCF-style (leftmost placement, unchanged base first): chr8-89981468-G-GT. GRCh37 (hg19) VCF-style: chr8-90993696-G-GT.
Other names: c.226dupA (NM_002485.4); c.-21dup (NM_001024688.3); short protein forms T76fs.
Identifiers: ClinVar variation 461551 (VCV000461551.6), dbSNP rs1554568340, ClinGen allele CA658657792.